The following is an entry in ClinVar:

ClinVar aggregate classification (germline): Uncertain significance (1 of 4 stars; one submission).

Conditions:
EGFR-related lung cancer (EGFR). Identifiers: MedGen CN130014.

gnomAD v4.1: 3 of 1,502,198 alleles (0.0002%); highest among the groups gnomAD compares: Non-Finnish European, 0.00027%; no homozygotes.

Submission:

Labcorp Genetics (formerly Invitae), Labcorp
Classification: Uncertain significance for EGFR-related lung cancer. Last evaluated: 2025-09-15. Review status: criteria provided, single submitter. Criteria: Invitae Variant Classification Sherloc (09022015). Collection method: clinical testing. Allele origin: germline.
Comment: This sequence change replaces arginine, which is basic and polar, with glutamine, which is neutral and polar, at codon 2 of the EGFR protein (p.Arg2Gln). This variant is not present in population databases (gnomAD no frequency). This variant has not been reported in the literature in individuals affected with EGFR-related conditions. ClinVar contains an entry for this variant (Variation ID: 1365035). An algorithm developed to predict the effect of missense changes on protein structure and function (PolyPhen-2) suggests that this variant is likely to be disruptive. In summary, the available evidence is currently insufficient to determine the role of this variant in disease. Therefore, it has been classified as a Variant of Uncertain Significance.

NM_005228.5(EGFR):c.5G>A (p.Arg2Gln)

Gene: EGFR (epidermal growth factor receptor; plus strand). Cytogenetic location: 7p11.2.
Variant type: single nucleotide variant.
Coding change: c.5G>A on transcript NM_005228.5 (MANE Select); coding-DNA position 5, G replaced by A.
Protein change: p.Arg2Gln; replaces arginine 2 with glutamine.
Molecular consequence: missense variant.
Genome position (GRCh38, 1-based): chr7:55,019,282, G>A. VCF-style: chr7-55019282-G-A. GRCh37 (hg19) VCF-style: chr7-55086975-G-A.
Other names: c.5G>A, p.Arg2Gln (NM_001346897.2, NM_001346898.2, NM_001346899.2 and 4 more transcripts); short protein forms R2Q.
Identifiers: ClinVar variation 1365035 (VCV001365035.8), dbSNP rs2128853278, ClinGen allele CA367611170.